The following is an entry in ClinVar:

NM_000038.6(APC):c.4340A>C (p.Gln1447Pro)

Gene: APC (APC regulator of Wnt signaling pathway; plus strand). Cytogenetic location: 5q22.2.
Variant type: single nucleotide variant.
Coding change: c.4340A>C on transcript NM_000038.6 (MANE Select); coding-DNA position 4340, A replaced by C.
Protein change: p.Gln1447Pro; replaces glutamine 1447 with proline.
Molecular consequence: missense variant.
Genome position (GRCh38, 1-based): chr5:112,839,934, A>C. VCF-style: chr5-112839934-A-C. GRCh37 (hg19) VCF-style: chr5-112175631-A-C.
Other names: c.4340A>C, p.Gln1447Pro (NM_001127510.3, NM_001354895.2); c.4286A>C, p.Gln1429Pro (NM_001127511.3); c.4394A>C, p.Gln1465Pro (NM_001354896.2); c.4370A>C, p.Gln1457Pro (NM_001354897.2); c.4265A>C, p.Gln1422Pro (NM_001354898.2); c.4256A>C, p.Gln1419Pro (NM_001354899.2); c.4217A>C, p.Gln1406Pro (NM_001354900.2); c.4163A>C, p.Gln1388Pro (NM_001354901.2); and 5 more; short protein forms Q1356P, Q1406P, Q1419P, Q1429P, Q1457P, Q1422P, Q1465P, Q1164P.
Identifiers: ClinVar variation 1488499 (VCV001488499.8), dbSNP rs2149912203, ClinGen allele CA16030838.

ClinVar aggregate classification (germline): Uncertain significance (1 of 4 stars; one submission).

Conditions:
Familial adenomatous polyposis 1 (FAP1). Also called: POLYPOSIS, ADENOMATOUS INTESTINAL; FAMILIAL ADENOMATOUS POLYPOSIS 1, ATTENUATED. Identifiers: MedGen C2713442, MONDO:0021056, OMIM 175100. Disease mechanism: loss of function.

Submission:

Labcorp Genetics (formerly Invitae), Labcorp
Classification: Uncertain significance for Familial adenomatous polyposis 1. Last evaluated: 2020-11-11. Review status: criteria provided, single submitter. Criteria: Invitae Variant Classification Sherloc (09022015). Collection method: clinical testing. Allele origin: germline.
Comment: This sequence change replaces glutamine with proline at codon 1447 of the APC protein (p.Gln1447Pro). The glutamine residue is highly conserved and there is a moderate physicochemical difference between glutamine and proline. This variant is not present in population databases (ExAC no frequency). This variant has not been reported in the literature in individuals with APC-related conditions. Algorithms developed to predict the effect of missense changes on protein structure and function output the following: SIFT: "Tolerated"; PolyPhen-2: "Benign"; Align-GVGD: "Class C0". The proline amino acid residue is found in multiple mammalian species, suggesting that this missense change does not adversely affect protein function. These predictions have not been confirmed by published functional studies and their clinical significance is uncertain. In summary, the available evidence is currently insufficient to determine the role of this variant in disease. Therefore, it has been classified as a Variant of Uncertain Significance.